The following is an entry in ClinVar:

NM_005045.4(RELN):c.10330G>A (p.Gly3444Arg)

Genes: SLC26A5-AS1 (SLC26A5 antisense RNA 1; plus strand), RELN (reelin; minus strand). Cytogenetic location: 7q22.1.
Variant type: single nucleotide variant.
Coding change: c.10330G>A on transcript NM_005045.4 (MANE Select); coding-DNA position 10330, G replaced by A.
Protein change: p.Gly3444Arg; replaces glycine 3444 with arginine.
Molecular consequence: missense variant.
Genome position (GRCh38, 1-based): chr7:103,472,865, C>T on the plus strand (G>A on the coding strand, the complement: RELN is on the minus strand). VCF-style: chr7-103472865-C-T. GRCh37 (hg19) VCF-style: chr7-103113312-C-T.
Other names: c.10324G>A, p.Gly3442Arg (NM_173054.3); short protein forms G3442R, G3444R.
Identifiers: ClinVar variation 3751334 (VCV003751334.2).

ClinVar aggregate classification (germline): Uncertain significance (1 of 4 stars; one submission).

Conditions:
Familial temporal lobe epilepsy 7. Identifiers: Orphanet 101046, MedGen C4225327, MONDO:0014639, OMIM 616436.
Norman-Roberts syndrome (LIS2). Also called: Lissencephaly 2 (Norman-Roberts type). Identifiers: Orphanet 89844, MedGen C0796089, MONDO:0009760, OMIM 257320.

Submission:

Labcorp Genetics (formerly Invitae), Labcorp
Classification: Uncertain significance for Familial temporal lobe epilepsy 7; Norman-Roberts syndrome. Last evaluated: 2024-07-30. Review status: criteria provided, single submitter. Criteria: Invitae Variant Classification Sherloc (09022015). Collection method: clinical testing. Allele origin: germline.
Comment: This sequence change replaces glycine, which is neutral and non-polar, with arginine, which is basic and polar, at codon 3444 of the RELN protein (p.Gly3444Arg). This variant is not present in population databases (gnomAD no frequency). This variant has not been reported in the literature in individuals affected with RELN-related conditions. Advanced modeling of protein sequence and biophysical properties (such as structural, functional, and spatial information, amino acid conservation, physicochemical variation, residue mobility, and thermodynamic stability) performed at Invitae indicates that this missense variant is not expected to disrupt RELN protein function with a negative predictive value of 80%. Algorithms developed to predict the effect of sequence changes on RNA splicing suggest that this variant may disrupt the consensus splice site. In summary, the available evidence is currently insufficient to determine the role of this variant in disease. Therefore, it has been classified as a Variant of Uncertain Significance.